The following is an entry in ClinVar:

ClinVar aggregate classification (germline): Conflicting classifications of pathogenicity. Review status: criteria provided, conflicting classifications (1 of 4 stars). 2 submissions from 2 submitters: Likely pathogenic (1); Uncertain significance (1). Last evaluated 2025-01-08.

Submissions (2):

GeneDx
Classification: Likely pathogenic. Last evaluated: 2025-01-08. Review status: criteria provided, single submitter. Criteria: GeneDx Variant Classification Process June 2021. Collection method: clinical testing. Allele origin: germline. Affected: yes.
Comment: Not observed at significant frequency in large population cohorts (gnomAD); In silico analysis supports that this missense variant does not alter protein structure/function; Has not been previously published as pathogenic or benign to our knowledge

Women's Health and Genetics/Laboratory Corporation of America, LabCorp
Classification: Uncertain significance. Last evaluated: 2024-10-17. Review status: criteria provided, single submitter. Criteria: LabCorp Variant Classification Summary - May 2015. Collection method: clinical testing. Allele origin: germline.
Comment: Variant summary: TUBB4A c.523G>A (p.Val175Met) results in a conservative amino acid change located in the Tubulin/FtsZ, GTPase domain (IPR003008) of the encoded protein sequence. Four of five in-silico tools predict a damaging effect of the variant on protein function. The variant was absent in 251490 control chromosomes (gnomAD). The available data on variant occurrences in the general population are insufficient to allow any conclusion about variant significance. At least one de novo occurrence of c.523G>A in an individual affected with cerebellar ataxia, hypotonia, global developmental delay, and cognitive impairment has been observed in our laboratory. ClinVar contains an entry for this variant (Variation ID: 2572847). Based on the evidence outlined above, the variant was classified as VUS-possibly pathogenic.

NM_006087.4(TUBB4A):c.523G>A (p.Val175Met)

Gene: TUBB4A (tubulin beta 4A class IVa; minus strand). Cytogenetic location: 19p13.3.
Variant type: single nucleotide variant.
Coding change: c.523G>A on transcript NM_006087.4 (MANE Select); coding-DNA position 523, G replaced by A.
Protein change: p.Val175Met; replaces valine 175 with methionine.
Molecular consequence: missense variant.
Genome position (GRCh38, 1-based): chr19:6,495,976, C>T on the plus strand (G>A on the coding strand, the complement: TUBB4A is on the minus strand). VCF-style: chr19-6495976-C-T. GRCh37 (hg19) VCF-style: chr19-6495987-C-T.
Other names: c.676G>A, p.Val226Met (NM_001289123.2); c.658G>A, p.Val220Met (NM_001289127.2); c.523G>A, p.Val175Met (NM_001289129.2); c.307G>A, p.Val103Met (NM_001289130.2, NM_001289131.2); c.523G>A (NM_006087.3); short protein forms V103M, V175M, V220M, V226M.
Identifiers: ClinVar variation 2572847 (VCV002572847.4), dbSNP rs2512754463, ClinGen allele CA403592093.